The following is an entry in ClinVar:

NM_021815.5(SLC5A7):c.1399C>A (p.Pro467Thr)

Gene: SLC5A7 (solute carrier family 5 member 7; plus strand). Cytogenetic location: 2q12.3.
Variant type: single nucleotide variant.
Coding change: c.1399C>A on transcript NM_021815.5 (MANE Select); coding-DNA position 1399, C replaced by A.
Protein change: p.Pro467Thr; replaces proline 467 with threonine.
Molecular consequence: missense variant.
Genome position (GRCh38, 1-based): chr2:108,010,517, C>A. VCF-style: chr2-108010517-C-A. GRCh37 (hg19) VCF-style: chr2-108626973-C-A.
Other names: c.1399C>A, p.Pro467Thr (NM_001305005.3); c.1084C>A, p.Pro362Thr (NM_001305006.3); c.658C>A, p.Pro220Thr (NM_001305007.3); short protein forms P220T, P467T, P362T.
Identifiers: ClinVar variation 2949793 (VCV002949793.3), dbSNP rs2467133224, ClinGen allele CA348114488.

ClinVar aggregate classification (germline): Uncertain significance (1 of 4 stars; one submission).

Conditions:
Neuronopathy, distal hereditary motor, type 7A. Also called: Neuronopathy, distal hereditary motor, type viia; NEURONOPATHY, DISTAL HEREDITARY MOTOR, HARDING TYPE VIIA; NEUROPATHY, DISTAL HEREDITARY MOTOR, HARDING TYPE VIIA; Neuronopathy, distal hereditary motor, autosomal dominant 7; HARPER-YOUNG MYOPATHY; HMN VIIA. Identifiers: Orphanet 139589, MedGen C1834703, MONDO:0008024, OMIM 158580.
Congenital myasthenic syndrome 20. Also called: Myasthenic syndrome, congenital, 20, presynaptic. Identifiers: MedGen C4310694, MONDO:0014939, OMIM 617143.

gnomAD v4.1: 4 of 1,613,864 alleles (0.00025%); highest among the groups gnomAD compares: Non-Finnish European, 0.00034%; no homozygotes.

Submission:

Labcorp Genetics (formerly Invitae), Labcorp
Classification: Uncertain significance for Neuronopathy, distal hereditary motor, type 7A; Congenital myasthenic syndrome 20. Last evaluated: 2023-07-12. Review status: criteria provided, single submitter. Criteria: Invitae Variant Classification Sherloc (09022015). Collection method: clinical testing. Allele origin: germline.
Comment: This variant is not present in population databases (gnomAD no frequency). This sequence change replaces proline, which is neutral and non-polar, with threonine, which is neutral and polar, at codon 467 of the SLC5A7 protein (p.Pro467Thr). This variant has not been reported in the literature in individuals affected with SLC5A7-related conditions. In summary, the available evidence is currently insufficient to determine the role of this variant in disease. Therefore, it has been classified as a Variant of Uncertain Significance. Advanced modeling of protein sequence and biophysical properties (such as structural, functional, and spatial information, amino acid conservation, physicochemical variation, residue mobility, and thermodynamic stability) performed at Invitae indicates that this missense variant is not expected to disrupt SLC5A7 protein function.